The following is an entry in ClinVar:

NM_000193.4(SHH):c.998A>C (p.His333Pro)

Gene: SHH (sonic hedgehog signaling molecule; minus strand). Cytogenetic location: 7q36.3.
Variant type: single nucleotide variant.
Coding change: c.998A>C on transcript NM_000193.4 (MANE Select); coding-DNA position 998, A replaced by C.
Protein change: p.His333Pro; replaces histidine 333 with proline.
Molecular consequence: missense variant. On other transcripts: intron variant (1).
Genome position (GRCh38, 1-based): chr7:155,803,291, T>G on the plus strand (A>C on the coding strand, the complement: SHH is on the minus strand). VCF-style: chr7-155803291-T-G. GRCh37 (hg19) VCF-style: chr7-155595985-T-G.
Other names: c.301+3005A>C (NM_001310462.2); short protein forms H333P.
Identifiers: ClinVar variation 1361460 (VCV001361460.8), dbSNP rs1303961828, ClinGen allele CA370145467.
Genomic context (GRCh38, chr7:155,803,291, plus strand): 5'-GTGCCCTGGGCCGTGAGCGGCGCGTAGGCGCCCGCGGCCTCCTCGCTTAGGGTCACGCTG[T>G]GCACAGCGGCGGGCAGGAGCCGGCGGTCCCCGTCACGCTCGGCCACCACGTACACGCGCT-3'
Protein context (NP_000184.1, residues 323-343): GDRRLLPAAV[His333Pro]SVTLSEEAAG

ClinVar aggregate classification (germline): Uncertain significance (1 of 4 stars; one submission).

Conditions:
Holoprosencephaly 3 (HPE3). Identifiers: Orphanet 2162, MedGen C1840529, MONDO:0007733, OMIM 142945.

Submission:

Labcorp Genetics (formerly Invitae), Labcorp
Classification: Uncertain significance for Holoprosencephaly 3. Last evaluated: 2020-12-30. Review status: criteria provided, single submitter. Criteria: Invitae Variant Classification Sherloc (09022015). Collection method: clinical testing. Allele origin: germline.
Comment: Algorithms developed to predict the effect of missense changes on protein structure and function are either unavailable or do not agree on the potential impact of this missense change (SIFT: "Tolerated"; PolyPhen-2: "Possibly Damaging"; Align-GVGD: "Class C0"). In summary, the available evidence is currently insufficient to determine the role of this variant in disease. Therefore, it has been classified as a Variant of Uncertain Significance. This variant has not been reported in the literature in individuals with SHH-related conditions. The frequency data for this variant in the population databases is considered unreliable, as metrics indicate insufficient coverage at this position in the ExAC database. This sequence change replaces histidine with proline at codon 333 of the SHH protein (p.His333Pro). The histidine residue is moderately conserved and there is a moderate physicochemical difference between histidine and proline.